The following is an entry in ClinVar:

NM_001378615.1(CC2D2A):c.1728G>A (p.Thr576=)

Genes: CC2D2A (coiled-coil and C2 domain containing 2A; plus strand), FBXL5 (F-box and leucine rich repeat protein 5; minus strand). Cytogenetic location: 4p15.32.
Variant type: single nucleotide variant.
Coding change: c.1728G>A on transcript NM_001378615.1 (MANE Select); coding-DNA position 1728, G replaced by A.
Protein change: p.Thr576=; no amino-acid change (threonine 576 retained).
Molecular consequence: synonymous variant.
Genome position (GRCh38, 1-based): chr4:15,537,040, G>A. VCF-style: chr4-15537040-G-A. GRCh37 (hg19) VCF-style: chr4-15538663-G-A.
Other names: c.1728G>A, p.Thr576= (NM_001080522.2); c.1581G>A, p.Thr527= (NM_001378617.1).
Identifiers: ClinVar variation 1154910 (VCV001154910.10), dbSNP rs373277928, ClinGen allele CA2863743.
Genomic context (GRCh38, chr4:15,537,040, plus strand): 5'-AAGTGAACTGTTAGAAGAGCACACGGAGGAGTACGCACAGAAGATGGAAGAATACAGAAC[G>A]TCGTTACAACAGTGGAAGGCCTGGAGGAAAGTGCAAGTGTGTAAACAAACACTCAGCCTG-3'
Protein context (NP_001365544.1, residues 566-586): EYAQKMEEYR[Thr576=]SLQQWKAWRK

ClinVar aggregate classification (germline): Likely benign. Review status: criteria provided, single submitter (1 of 4 stars). 2 submissions from 2 submitters: Likely benign (1). 1 of the submissions does not count toward it. Last evaluated 2026-01-11.

Conditions:
Joubert syndrome. Also called: JOUBERT-BOLTSHAUSER SYNDROME; Familial aplasia of the vermis. Identifiers: Orphanet 475, MedGen C5979921, MONDO:0018772.
Meckel-Gruber syndrome. Also called: DYSENCEPHALIA SPLANCHNOCYSTICA; GRUBER SYNDROME; Dysencephalia splachnocystica. Identifiers: Orphanet 564, MedGen C0265215, MONDO:0018921.
CC2D2A-related disorder. Also called: CC2D2A-related disorders; CC2D2A-related condition. Identifiers: MedGen CN239313.

Allele frequency attached by ClinVar (database versions not stated): gnomAD exomes 0.00001; ExAC 0.00002; gnomAD 0.00003 and 0.00004; TOPMed 0.00003; ESP Exome Variant Server 0.00008.
gnomAD v4.1: 24 of 1,613,496 alleles (0.0015%); highest among the groups gnomAD compares: African/African-American, 0.011%; no homozygotes.

Submissions (2):

Labcorp Genetics (formerly Invitae), Labcorp
Classification: Likely benign for Joubert syndrome; Meckel-Gruber syndrome. Last evaluated: 2026-01-11. Review status: criteria provided, single submitter. Criteria: Invitae Variant Classification Sherloc (09022015). Collection method: clinical testing. Allele origin: germline.

PreventionGenetics, part of Exact Sciences
Classification: Likely benign for CC2D2A-related condition. Last evaluated: 2024-03-04. Review status: no assertion criteria provided. Collection method: clinical testing. Allele origin: germline. Not counted in ClinVar's aggregate classification.
Comment: This variant is classified as likely benign based on ACMG/AMP sequence variant interpretation guidelines (Richards et al. 2015 PMID: 25741868, with internal and published modifications).